The following is an entry in ClinVar:

ClinVar aggregate classification (germline): Uncertain significance (1 of 4 stars; one submission).

Conditions:
TREX1-related disorder. Also called: TREX1-related condition; TREX1-related disorders. Identifiers: MedGen CN239414.

gnomAD v4.1: 36 of 1,613,312 alleles (0.0022%); highest among the groups gnomAD compares: African/African-American, 0.012%; no homozygotes.

Submission:

PreventionGenetics, part of Exact Sciences
Classification: Uncertain significance for TREX1-related condition. Last evaluated: 2025-02-24. Review status: criteria provided, single submitter. Criteria: ACMG Guidelines, 2015. Collection method: clinical testing. Allele origin: germline.
Comment: The TREX1 c.92G>A variant is predicted to result in the amino acid substitution p.Arg31Gln. To our knowledge, this variant has not been reported in the literature. This variant is reported in 0.0083% of alleles in individuals of African descent in gnomAD. At this time, the clinical significance of this variant is uncertain due to the absence of conclusive functional and genetic evidence.

NM_033629.6(TREX1):c.-26-48G>A

Genes: ATRIP (ATR interacting protein; plus strand), ATRIP-TREX1 (ATRIP-TREX1 readthrough; plus strand), TREX1 (three prime repair exonuclease 1; plus strand). Cytogenetic location: 3p21.31.
Variant type: single nucleotide variant.
Coding change: c.-26-48G>A on transcript NM_033629.6 (MANE Select); 48 bases into the intron before 26 bases upstream of the start codon, G replaced by A.
Molecular consequence: intron variant. On other transcripts: 3 prime UTR variant (4).
Genome position (GRCh38, 1-based): chr3:48,466,582, G>A. VCF-style: chr3-48466582-G-A. GRCh37 (hg19) VCF-style: chr3-48507981-G-A.
Other names: NM_016381.5:c.92G>A; c.*1028G>A (NM_001271022.2, NM_001271023.2, NM_032166.4 and 1 more transcripts); c.-18-86G>A (NM_007248.5).
Identifiers: ClinVar variation 4977570 (VCV004977570.1).